The following is an entry in ClinVar:

ClinVar aggregate classification (germline): Uncertain significance (1 of 4 stars; one submission).

Conditions:
PDGFRB-related disorder. Also called: PDGFRB-related condition.

Allele frequency attached by ClinVar (database versions not stated): gnomAD exomes 0.00001; gnomAD 0.00002; TOPMed 0.00003.

Submission:

PreventionGenetics, part of Exact Sciences
Classification: Uncertain significance for PDGFRB-related condition. Last evaluated: 2022-11-29. Review status: criteria provided, single submitter. Criteria: ACMG Guidelines, 2015. Collection method: clinical testing. Allele origin: germline.
Comment: The PDGFRB c.1411G>A variant is predicted to result in the amino acid substitution p.Glu471Lys. To our knowledge, this variant has not been reported in the literature. This variant is reported in 0.0056% of alleles in individuals of Latino descent in gnomAD. At this time, the clinical significance of this variant is uncertain due to the absence of conclusive functional and genetic evidence.

NM_002609.4(PDGFRB):c.1411G>A (p.Glu471Lys)

Gene: PDGFRB (platelet derived growth factor receptor beta; minus strand). Cytogenetic location: 5q32.
Variant type: single nucleotide variant.
Coding change: c.1411G>A on transcript NM_002609.4 (MANE Select); coding-DNA position 1411, G replaced by A.
Protein change: p.Glu471Lys; replaces glutamic acid 471 with lysine.
Molecular consequence: missense variant.
Genome position (GRCh38, 1-based): chr5:150,129,925, C>T on the plus strand (G>A on the coding strand, the complement: PDGFRB is on the minus strand). VCF-style: chr5-150129925-C-T. GRCh37 (hg19) VCF-style: chr5-149509488-C-T.
Other names: c.1219G>A, p.Glu407Lys (NM_001355016.2); c.928G>A, p.Glu310Lys (NM_001355017.2); short protein forms E310K, E407K, E471K.
Identifiers: ClinVar variation 2635833 (VCV002635833.1), dbSNP rs914677813, ClinGen allele CA129065679.
Genomic context (GRCh38, chr5:150,129,925, plus strand): 5'-CCTCAAACTCCTGCTCCTCCTCCCAGTACGTCACGTTAGTCTCCAGCTGGCTCTCCTCTT[C>T]GGAACTGTTCCCCAGCAGCGTGGGCGGCAGCTCACGTGGACACCTGCCAGGAGAGCCGGT-3'
Protein context (NP_002600.1, residues 461-481): LPPTLLGNSS[Glu471Lys]EESQLETNVT